The following is an entry in ClinVar:

NM_080632.3(UPF3B):c.520A>G (p.Met174Val)

Gene: UPF3B (UPF3B regulator of nonsense mediated mRNA decay; minus strand). Cytogenetic location: Xq24.
Variant type: single nucleotide variant.
Coding change: c.520A>G on transcript NM_080632.3 (MANE Select); coding-DNA position 520, A replaced by G.
Protein change: p.Met174Val; replaces methionine 174 with valine.
Molecular consequence: missense variant.
Genome position (GRCh38, 1-based): chrX:119,843,251, T>C on the plus strand (A>G on the coding strand, the complement: UPF3B is on the minus strand). VCF-style: chrX-119843251-T-C. GRCh37 (hg19) VCF-style: chrX-118977214-T-C.
Other names: c.520A>G, p.Met174Val (NM_023010.4); short protein forms M174V.
Identifiers: ClinVar variation 1718760 (VCV001718760.6), dbSNP rs2056187647, ClinGen allele CA414184819.
Genomic context (GRCh38, chrX:119,843,251, plus strand): 5'-CTATTAATTCTCTATTTTTTGCTTCTATTTCCTCTAGCAGTGTCTCTGGAGTAGATGTCA[T>C]TTTCTCATTATCTGTGGCATAACTTTCCAAAAACTTTCTATATTCTGGATCTAAATAATC-3'
Protein context (NP_542199.1, residues 164-184): LESYATDNEK[Met174Val]TSTPETLLEE

ClinVar aggregate classification (germline): Uncertain significance (1 of 4 stars; one submission).

Conditions:
Intellectual developmental disorder, X-linked, syndromic 14. Also called: Syndromic X-linked intellectual disability 14. Identifiers: Orphanet 776, MedGen C1970822, MONDO:0010398, OMIM 300676.

Allele frequency attached by ClinVar (database versions not stated): gnomAD exomes below 0.00001; gnomAD 0.00001; TOPMed below 0.00001.

Submission:

Labcorp Genetics (formerly Invitae), Labcorp
Classification: Uncertain significance for Intellectual developmental disorder, X-linked, syndromic 14. Last evaluated: 2022-11-04. Review status: criteria provided, single submitter. Criteria: Invitae Variant Classification Sherloc (09022015). Collection method: clinical testing. Allele origin: germline.
Comment: In summary, the available evidence is currently insufficient to determine the role of this variant in disease. Therefore, it has been classified as a Variant of Uncertain Significance. Advanced modeling of protein sequence and biophysical properties (such as structural, functional, and spatial information, amino acid conservation, physicochemical variation, residue mobility, and thermodynamic stability) performed at Invitae indicates that this missense variant is not expected to disrupt UPF3B protein function. This variant has not been reported in the literature in individuals affected with UPF3B-related conditions. This variant is not present in population databases (gnomAD no frequency). This sequence change replaces methionine, which is neutral and non-polar, with valine, which is neutral and non-polar, at codon 174 of the UPF3B protein (p.Met174Val).